The following is an entry in ClinVar:

ClinVar aggregate classification (germline): Uncertain significance (1 of 4 stars; one submission).

Conditions:
Hereditary hemochromatosis (HFE). Identifiers: MedGen C0392514, MONDO:0006507. Disease mechanism: loss of function.

Allele frequency attached by ClinVar (database versions not stated): ExAC 0.00003; TOPMed 0.00003; gnomAD 0.00005; ESP Exome Variant Server 0.00008.
gnomAD v4.1: 23 of 1,601,626 alleles (0.0014%); highest among the groups gnomAD compares: African/African-American, 0.004%; no homozygotes.

Submission:

Labcorp Genetics (formerly Invitae), Labcorp
Classification: Uncertain significance for Hereditary hemochromatosis. Last evaluated: 2021-08-24. Review status: criteria provided, single submitter. Criteria: Invitae Variant Classification Sherloc (09022015). Collection method: clinical testing. Allele origin: germline.
Comment: This sequence change replaces arginine with glutamine at codon 749 of the TFR2 protein (p.Arg749Gln). The arginine residue is highly conserved and there is a small physicochemical difference between arginine and glutamine. This variant is present in population databases (rs369355407, ExAC 0.006%). This variant has not been reported in the literature in individuals affected with TFR2-related conditions. ClinVar contains an entry for this variant (Variation ID: 219806). Algorithms developed to predict the effect of missense changes on protein structure and function output the following: SIFT: "Tolerated"; PolyPhen-2: "Benign"; Align-GVGD: "Class C0". The glutamine amino acid residue is found in multiple mammalian species, which suggests that this missense change does not adversely affect protein function. In summary, the available evidence is currently insufficient to determine the role of this variant in disease. Therefore, it has been classified as a Variant of Uncertain Significance.

NM_003227.4(TFR2):c.2246G>A (p.Arg749Gln)

Gene: TFR2 (transferrin receptor 2; minus strand). Cytogenetic location: 7q22.1.
Variant type: single nucleotide variant.
Coding change: c.2246G>A on transcript NM_003227.4 (MANE Select); coding-DNA position 2246, G replaced by A.
Protein change: p.Arg749Gln; replaces arginine 749 with glutamine.
Molecular consequence: missense variant.
Genome position (GRCh38, 1-based): chr7:100,621,017, C>T on the plus strand (G>A on the coding strand, the complement: TFR2 is on the minus strand). VCF-style: chr7-100621017-C-T. GRCh37 (hg19) VCF-style: chr7-100218640-C-T.
Other names: c.1733G>A, p.Arg578Gln (NM_001206855.3); short protein forms R749Q, R578Q.
Identifiers: ClinVar variation 219806 (VCV000219806.7), dbSNP rs369355407, ClinGen allele CA350771.
Genomic context (GRCh38, chr7:100,621,017, plus strand): 5'-TCCTGGAAGCCAGTGGAGGAGGTGGCCCCGGGGGTCCCGGAGCTGTTGGAGCGCAGCAGC[C>T]GCAGGTGGTCCAGCAGGGCGCCCAGCGTGTGGTCTCCACGGCCCATGAAGATGTGGCGGA-3'
Protein context (NP_003218.2, residues 739-759): HTLGALLDHL[Arg749Gln]LLRSNSSGTP